The following is an entry in ClinVar:

ClinVar aggregate classification (germline): Conflicting classifications of pathogenicity. Review status: criteria provided, conflicting classifications (1 of 4 stars). 3 submissions from 3 submitters: Uncertain significance (2); Likely benign (1). Last evaluated 2023-10-26.

Conditions:
Inborn genetic diseases. Identifiers: MedGen C0950123, MeSH D030342.

Allele frequency attached by ClinVar (database versions not stated): gnomAD 0.00001; gnomAD exomes 0.00001; TOPMed 0.00001; ExAC 0.00002.
gnomAD v4.1: 18 of 1,606,318 alleles (0.0011%); highest among the groups gnomAD compares: East Asian, 0.0045%; no homozygotes.

Submissions (3):

Ambry Genetics
Classification: Likely benign for Inborn genetic diseases. Last evaluated: 2023-10-26. Review status: criteria provided, single submitter. Criteria: Ambry Variant Classification Scheme 2023. Collection method: clinical testing. Allele origin: germline.

Women's Health and Genetics/Laboratory Corporation of America, LabCorp
Classification: Uncertain significance. Last evaluated: 2023-08-28. Review status: criteria provided, single submitter. Criteria: LabCorp Variant Classification Summary - May 2015. Collection method: clinical testing. Allele origin: germline.
Comment: Variant summary: AP3B2 c.1256G>A (p.Arg419His) results in a non-conservative amino acid change located in the N-terminal domain (IPR002553) of the encoded protein sequence. Three of five in-silico tools predict a benign effect of the variant on protein function. The variant allele was found at a frequency of 3.3e-05 in 243372 control chromosomes (gnomAD). The available data on variant occurrences in the general population are insufficient to allow any conclusion about variant significance. To our knowledge, no occurrence of c.1256G>A in individuals affected with Developmental And Epileptic Encephalopathy, 48 and no experimental evidence demonstrating its impact on protein function have been reported. One submitter has reported clinical-significance assessments for this variant to ClinVar after 2014 and has classified the variant as uncertain significance. Based on the evidence outlined above, the variant was classified as uncertain significance.

Labcorp Genetics (formerly Invitae), Labcorp
Classification: Uncertain significance. Last evaluated: 2022-11-01. Review status: criteria provided, single submitter. Criteria: Invitae Variant Classification Sherloc (09022015). Collection method: clinical testing. Allele origin: germline.
Comment: This sequence change replaces arginine, which is basic and polar, with histidine, which is basic and polar, at codon 419 of the AP3B2 protein (p.Arg419His). This variant is present in population databases (rs750705900, gnomAD 0.03%). This variant has not been reported in the literature in individuals affected with AP3B2-related conditions. ClinVar contains an entry for this variant (Variation ID: 1484317). Algorithms developed to predict the effect of missense changes on protein structure and function (SIFT, PolyPhen-2, Align-GVGD) all suggest that this variant is likely to be tolerated. In summary, the available evidence is currently insufficient to determine the role of this variant in disease. Therefore, it has been classified as a Variant of Uncertain Significance.

NM_001278512.2(AP3B2):c.1256G>A (p.Arg419His)

Genes: AP3B2 (adaptor related protein complex 3 subunit beta 2; minus strand), CPEB1-AS1 (CPEB1 antisense RNA 1; plus strand). Cytogenetic location: 15q25.2.
Variant type: single nucleotide variant.
Coding change: c.1256G>A on transcript NM_001278512.2 (MANE Select); coding-DNA position 1256, G replaced by A.
Protein change: p.Arg419His; replaces arginine 419 with histidine.
Molecular consequence: missense variant.
Genome position (GRCh38, 1-based): chr15:82,677,793, C>T on the plus strand (G>A on the coding strand, the complement: AP3B2 is on the minus strand). VCF-style: chr15-82677793-C-T. GRCh37 (hg19) VCF-style: chr15-83346545-C-T.
Other names: c.1160G>A, p.Arg387His (NM_001278511.2); c.1256G>A, p.Arg419His (NM_004644.5); c.1256G>A (NM_004644.4, NM_004644.3); short protein forms R387H, R419H.
Identifiers: ClinVar variation 1484317 (VCV001484317.5), dbSNP rs750705900, ClinGen allele CA7700259.
Genomic context (GRCh38, chr15:82,677,793, plus strand): 5'-TTAGTTGCACAGCGTCCAATGGCCTGGATTGTGGCTGCCACAAAGTCCTTGTCCATGCTG[C>T]GAATATAGGTCTGTGGGATATGACAAAGAAATCCCTCAGTGACTCTGCAGGCTTGAGGGT-3'
Protein context (NP_001265441.1, residues 409-429): TVLREFQTYI[Arg419His]SMDKDFVAAT